The following is an entry in ClinVar:

ClinVar aggregate classification (germline): Uncertain significance. Review status: criteria provided, multiple submitters, no conflicts (2 of 4 stars). 3 submissions from 3 submitters: Uncertain significance (3). Last evaluated 2025-10-22.

Conditions:
Inborn genetic diseases. Identifiers: MedGen C0950123, MeSH D030342.
CACNA1D-related disorder.

Allele frequency attached by ClinVar (database versions not stated): ExAC 0.00001; gnomAD 0.00001; gnomAD exomes 0.00001 and below 0.00001.
gnomAD v4.1: 14 of 1,613,832 alleles (0.00087%); highest among the groups gnomAD compares: Admixed American, 0.0033%; no homozygotes.

Submissions (3):

Ambry Genetics
Classification: Uncertain significance for Inborn genetic diseases. Last evaluated: 2025-10-22. Review status: criteria provided, single submitter. Criteria: Ambry Variant Classification Scheme 2023. Collection method: clinical testing. Allele origin: germline.

PreventionGenetics, part of Exact Sciences
Classification: Uncertain significance for CACNA1D-related condition. Last evaluated: 2025-07-10. Review status: criteria provided, single submitter. Criteria: ACMG Guidelines, 2015. Collection method: clinical testing. Allele origin: germline.
Comment: The CACNA1D c.2366C>T variant is predicted to result in the amino acid substitution p.Ala789Val. To our knowledge, this variant has not been reported in the literature. This variant is reported in 0.0029% of alleles in individuals of Latino descent in gnomAD. At this time, the clinical significance of this variant is uncertain due to the absence of conclusive functional and genetic evidence.

Labcorp Genetics (formerly Invitae), Labcorp
Classification: Uncertain significance. Last evaluated: 2025-05-27. Review status: criteria provided, single submitter. Criteria: Invitae Variant Classification Sherloc (09022015). Collection method: clinical testing. Allele origin: germline.
Comment: This sequence change replaces alanine, which is neutral and non-polar, with valine, which is neutral and non-polar, at codon 789 of the CACNA1D protein (p.Ala789Val). This variant is present in population databases (rs771708188, gnomAD 0.003%). This variant has not been reported in the literature in individuals affected with CACNA1D-related conditions. ClinVar contains an entry for this variant (Variation ID: 1491488). Invitae Evidence Modeling of protein sequence and biophysical properties (such as structural, functional, and spatial information, amino acid conservation, physicochemical variation, residue mobility, and thermodynamic stability) indicates that this missense variant is not expected to disrupt CACNA1D protein function with a negative predictive value of 80%. In summary, the available evidence is currently insufficient to determine the role of this variant in disease. Therefore, it has been classified as a Variant of Uncertain Significance.

NM_001128840.3(CACNA1D):c.2306C>T (p.Ala769Val)

Gene: CACNA1D (calcium voltage-gated channel subunit alpha1 D; plus strand). Cytogenetic location: 3p21.1.
Variant type: single nucleotide variant.
Coding change: c.2306C>T on transcript NM_001128840.3 (MANE Select); coding-DNA position 2306, C replaced by T.
Protein change: p.Ala769Val; replaces alanine 769 with valine.
Molecular consequence: missense variant.
Genome position (GRCh38, 1-based): chr3:53,730,526, C>T. VCF-style: chr3-53730526-C-T. GRCh37 (hg19) VCF-style: chr3-53764553-C-T.
Other names: c.2366C>T (NM_000720.2, NM_000720.3); c.2366C>T, p.Ala789Val (NM_000720.4); c.2306C>T, p.Ala769Val (NM_001128839.3); short protein forms A789V, A769V.
Identifiers: ClinVar variation 1491488 (VCV001491488.8), dbSNP rs771708188, ClinGen allele CA2454190.